The following is an entry in ClinVar:

ClinVar aggregate classification (germline): Uncertain significance (1 of 4 stars; one submission).

Conditions:
Charcot-Marie-Tooth disease axonal type 2O. Also called: Charcot-Marie-Tooth Neuropathy Type 2O; Charcot-Marie-Tooth disease, axonal, type 20; CHARCOT-MARIE-TOOTH NEUROPATHY, AXONAL, TYPE 2O; CHARCOT-MARIE-TOOTH DISEASE, AXONAL, AUTOSOMAL DOMINANT, TYPE 2O. Identifiers: Orphanet 284232, MedGen C3280220, MONDO:0013644, OMIM 614228.

Submission:

Labcorp Genetics (formerly Invitae), Labcorp
Classification: Uncertain significance for Charcot-Marie-Tooth disease axonal type 2O. Last evaluated: 2022-07-06. Review status: criteria provided, single submitter. Criteria: Invitae Variant Classification Sherloc (09022015). Collection method: clinical testing. Allele origin: germline.
Comment: In summary, the available evidence is currently insufficient to determine the role of this variant in disease. Therefore, it has been classified as a Variant of Uncertain Significance. Advanced modeling of protein sequence and biophysical properties (such as structural, functional, and spatial information, amino acid conservation, physicochemical variation, residue mobility, and thermodynamic stability) performed at Invitae indicates that this missense variant is not expected to disrupt DYNC1H1 protein function. ClinVar contains an entry for this variant (Variation ID: 1390692). This variant has not been reported in the literature in individuals affected with DYNC1H1-related conditions. This variant is not present in population databases (gnomAD no frequency). This sequence change replaces threonine, which is neutral and polar, with proline, which is neutral and non-polar, at codon 3769 of the DYNC1H1 protein (p.Thr3769Pro).

NM_001376.5(DYNC1H1):c.11305A>C (p.Thr3769Pro)

Gene: DYNC1H1 (dynein cytoplasmic 1 heavy chain 1; plus strand). Cytogenetic location: 14q32.31.
Variant type: single nucleotide variant.
Coding change: c.11305A>C on transcript NM_001376.5 (MANE Select); coding-DNA position 11305, A replaced by C.
Protein change: p.Thr3769Pro; replaces threonine 3769 with proline.
Molecular consequence: missense variant.
Genome position (GRCh38, 1-based): chr14:102,039,099, A>C. VCF-style: chr14-102039099-A-C. GRCh37 (hg19) VCF-style: chr14-102505436-A-C.
Other names: short protein forms T3769P.
Identifiers: ClinVar variation 1390692 (VCV001390692.6), dbSNP rs2152594953, ClinGen allele CA391033325.
Genomic context (GRCh38, chr14:102,039,099, plus strand): 5'-CTACTACAAGCTCTGAACGAGGTGAAAGGGCGCATTTTGGATGACGACACGATCATAACC[A>C]CTCTGGAGAACCTGAAGAGAGAGGCTGCAGAGGTCACCAGGAAAGTTGAGGAGACGGACA-3'
Protein context (NP_001367.2, residues 3759-3779): RILDDDTIIT[Thr3769Pro]LENLKREAAE